The following is an entry in ClinVar:

ClinVar aggregate classification (germline): Uncertain significance. Review status: criteria provided, multiple submitters, no conflicts (2 of 4 stars). 2 submissions from 2 submitters: Uncertain significance (2). Last evaluated 2024-01-17.

Conditions:
Hereditary cancer-predisposing syndrome. Also called: Hereditary Cancer Syndrome; Tumor predisposition; Neoplastic Syndromes, Hereditary; Hereditary neoplastic syndrome. Identifiers: Orphanet 140162, MedGen C0027672, MeSH D009386, MONDO:0015356.
Birt-Hogg-Dube syndrome. Also called: Birt Hogg Dubé syndrome. Identifiers: Orphanet 122, MedGen C0346010, MONDO:0800444.

Submissions (2):

Ambry Genetics
Classification: Uncertain significance for Hereditary cancer-predisposing syndrome. Last evaluated: 2024-01-17. Review status: criteria provided, single submitter. Criteria: Ambry Variant Classification Scheme 2023. Collection method: clinical testing. Allele origin: germline.
Comment: The p.G540S variant (also known as c.1618G>A), located in coding exon 11 of the FLCN gene, results from a G to A substitution at nucleotide position 1618. The glycine at codon 540 is replaced by serine, an amino acid with similar properties. This amino acid position is conserved. In addition, this alteration is predicted to be deleterious by in silico analysis. Based on the available evidence, the clinical significance of this alteration remains unclear.

Labcorp Genetics (formerly Invitae), Labcorp
Classification: Uncertain significance for Birt-Hogg-Dube syndrome. Last evaluated: 2023-11-30. Review status: criteria provided, single submitter. Criteria: Invitae Variant Classification Sherloc (09022015). Collection method: clinical testing. Allele origin: germline.
Comment: This sequence change replaces glycine, which is neutral and non-polar, with serine, which is neutral and polar, at codon 540 of the FLCN protein (p.Gly540Ser). This variant is not present in population databases (gnomAD no frequency). This variant has not been reported in the literature in individuals affected with FLCN-related conditions. Advanced modeling of protein sequence and biophysical properties (such as structural, functional, and spatial information, amino acid conservation, physicochemical variation, residue mobility, and thermodynamic stability) performed at Invitae indicates that this missense variant is not expected to disrupt FLCN protein function with a negative predictive value of 80%. In summary, the available evidence is currently insufficient to determine the role of this variant in disease. Therefore, it has been classified as a Variant of Uncertain Significance.

NM_144997.7(FLCN):c.1618G>A (p.Gly540Ser)

Gene: FLCN (folliculin; minus strand). Cytogenetic location: 17p11.2.
Variant type: single nucleotide variant.
Coding change: c.1618G>A on transcript NM_144997.7 (MANE Select); coding-DNA position 1618, G replaced by A.
Protein change: p.Gly540Ser; replaces glycine 540 with serine.
Molecular consequence: missense variant.
Genome position (GRCh38, 1-based): chr17:17,213,777, C>T on the plus strand (G>A on the coding strand, the complement: FLCN is on the minus strand). VCF-style: chr17-17213777-C-T. GRCh37 (hg19) VCF-style: chr17-17117091-C-T.
Other names: c.1672G>A, p.Gly558Ser (NM_001353229.2); c.1618G>A, p.Gly540Ser (NM_001353230.2, NM_001353231.2); short protein forms G540S, G558S.
Identifiers: ClinVar variation 2898977 (VCV002898977.4), dbSNP rs2144810225, ClinGen allele CA398530005.